The following is an entry in ClinVar:

NM_017563.5(IL17RD):c.1027T>C (p.Tyr343His)

Gene: IL17RD (interleukin 17 receptor D; minus strand). Cytogenetic location: 3p14.3.
Variant type: single nucleotide variant.
Coding change: c.1027T>C on transcript NM_017563.5 (MANE Select); coding-DNA position 1027, T replaced by C.
Protein change: p.Tyr343His; replaces tyrosine 343 with histidine.
Molecular consequence: missense variant.
Genome position (GRCh38, 1-based): chr3:57,101,316, A>G on the plus strand (T>C on the coding strand, the complement: IL17RD is on the minus strand). VCF-style: chr3-57101316-A-G. GRCh37 (hg19) VCF-style: chr3-57135344-A-G.
Other names: c.1027T>C (NM_017563.3); c.595T>C, p.Tyr199His (NM_001318864.2); short protein forms Y343H, Y199H.
Identifiers: ClinVar variation 1396613 (VCV001396613.9), dbSNP rs902152507, ClinGen allele CA74988643.

ClinVar aggregate classification (germline): Uncertain significance. Review status: criteria provided, multiple submitters, no conflicts (2 of 4 stars). 2 submissions from 2 submitters: Uncertain significance (2). Last evaluated 2023-12-26.

Allele frequency attached by ClinVar (database versions not stated): gnomAD exomes below 0.00001 and 0.00001; TOPMed 0.00003; gnomAD 0.00007 and 0.00010.

Submissions (2):

Ambry Genetics
Classification: Uncertain significance. Last evaluated: 2023-12-26. Review status: criteria provided, single submitter. Criteria: Ambry Variant Classification Scheme 2023. Collection method: clinical testing. Allele origin: germline.

Labcorp Genetics (formerly Invitae), Labcorp
Classification: Uncertain significance. Last evaluated: 2023-08-17. Review status: criteria provided, single submitter. Criteria: Invitae Variant Classification Sherloc (09022015). Collection method: clinical testing. Allele origin: germline.
Comment: In summary, the available evidence is currently insufficient to determine the role of this variant in disease. Therefore, it has been classified as a Variant of Uncertain Significance. Advanced modeling of protein sequence and biophysical properties (such as structural, functional, and spatial information, amino acid conservation, physicochemical variation, residue mobility, and thermodynamic stability) performed at Invitae indicates that this missense variant is not expected to disrupt IL17RD protein function. ClinVar contains an entry for this variant (Variation ID: 1396613). This variant has not been reported in the literature in individuals affected with IL17RD-related conditions. This variant is present in population databases (no rsID available, gnomAD 0.02%). This sequence change replaces tyrosine, which is neutral and polar, with histidine, which is basic and polar, at codon 343 of the IL17RD protein (p.Tyr343His).